The following is an entry in ClinVar:

ClinVar aggregate classification (germline): Uncertain significance. Review status: criteria provided, multiple submitters, no conflicts (2 of 4 stars). 2 submissions from 2 submitters: Uncertain significance (2). Last evaluated 2025-09-10.

Allele frequency attached by ClinVar (database versions not stated): gnomAD exomes 0.00002; ExAC 0.00003; ESP Exome Variant Server 0.00008.
gnomAD v4.1: 29 of 1,612,176 alleles (0.0018%); highest among the groups gnomAD compares: South Asian, 0.0033%; no homozygotes.

Submissions (2):

Ambry Genetics
Classification: Uncertain significance. Last evaluated: 2025-09-10. Review status: criteria provided, single submitter. Criteria: Ambry Variant Classification Scheme 2023. Collection method: clinical testing. Allele origin: germline.

Labcorp Genetics (formerly Invitae), Labcorp
Classification: Uncertain significance. Last evaluated: 2022-03-11. Review status: criteria provided, single submitter. Criteria: Invitae Variant Classification Sherloc (09022015). Collection method: clinical testing. Allele origin: germline.
Comment: In summary, the available evidence is currently insufficient to determine the role of this variant in disease. Therefore, it has been classified as a Variant of Uncertain Significance. Algorithms developed to predict the effect of missense changes on protein structure and function are either unavailable or do not agree on the potential impact of this missense change (SIFT: "Deleterious"; PolyPhen-2: "Probably Damaging"; Align-GVGD: "Class C0"). This variant has not been reported in the literature in individuals affected with PALM-related conditions. This variant is present in population databases (rs369619022, gnomAD 0.003%). This sequence change replaces threonine, which is neutral and polar, with methionine, which is neutral and non-polar, at codon 284 of the PALM protein (p.Thr284Met).

NM_002579.3(PALM):c.851C>T (p.Thr284Met)

Gene: PALM (paralemmin; plus strand). Cytogenetic location: 19p13.3.
Variant type: single nucleotide variant.
Coding change: c.851C>T on transcript NM_002579.3 (MANE Select); coding-DNA position 851, C replaced by T.
Protein change: p.Thr284Met; replaces threonine 284 with methionine.
Molecular consequence: missense variant.
Genome position (GRCh38, 1-based): chr19:746,501, C>T. VCF-style: chr19-746501-C-T. GRCh37 (hg19) VCF-style: chr19-746501-C-T.
Other names: c.851C>T (NM_002579.2); c.719C>T, p.Thr240Met (NM_001040134.2); short protein forms T240M, T284M.
Identifiers: ClinVar variation 1516521 (VCV001516521.10), dbSNP rs369619022, ClinGen allele CA9022799.